The following is an entry in ClinVar:

NM_015662.3(IFT172):c.3549T>C (p.Asp1183=)

Genes: IFT172 (intraflagellar transport 172; minus strand), LOC126806173 (BRD4-independent group 4 enhancer GRCh37_chr2:27676057-27677256; plus strand). Cytogenetic location: 2p23.3.
Variant type: single nucleotide variant.
Coding change: c.3549T>C on transcript NM_015662.3 (MANE Select); coding-DNA position 3549, T replaced by C.
Protein change: p.Asp1183=; no amino-acid change (aspartic acid 1183 retained).
Molecular consequence: synonymous variant.
Genome position (GRCh38, 1-based): chr2:27,454,144, A>G on the plus strand (T>C on the coding strand, the complement: IFT172 is on the minus strand). VCF-style: chr2-27454144-A-G. GRCh37 (hg19) VCF-style: chr2-27677011-A-G.
Other names: c.3549T>C (NM_015662.2).
Identifiers: ClinVar variation 1628843 (VCV001628843.11), dbSNP rs566100277, ClinGen allele CA1579936.
Genomic context (GRCh38, chr2:27,454,144, plus strand): 5'-AAGCACCTCGGCGACACTGTCAGGGTCGTGAGCCTCAGCCACACGCTGAGCTGCCTCCCA[A>G]TCCTGGTTATGGACAAACCTGCCTCCAGGTGGGGACAGAGGAGAGACTGAGTATAGGACT-3'
Protein context (NP_056477.1, residues 1173-1193): EAVLMFVHNQ[Asp1183=]WEAAQRVAEA

ClinVar aggregate classification (germline): Likely benign. Review status: criteria provided, multiple submitters, no conflicts (2 of 4 stars). 3 submissions from 3 submitters: Likely benign (2). 1 of the submissions does not count toward it. Last evaluated 2025-08-04.

Conditions:
IFT172-related disorder. Also called: IFT172-related condition; IFT172-related disorders.
Short-rib thoracic dysplasia 10 with or without polydactyly (SRTD10). Identifiers: Orphanet 474, MedGen C3810175, MONDO:0014284, OMIM 615630.
Retinitis pigmentosa 71 (RP71). Identifiers: Orphanet 791, MedGen C4225342, MONDO:0014618, OMIM 616394.
Bardet-Biedl syndrome 20. Identifiers: MedGen C4310707, MONDO:0023670, OMIM 619471, MONDO:0014926.

Allele frequency attached by ClinVar (database versions not stated): gnomAD exomes 0.00001; ExAC 0.00002; TOPMed 0.00003; gnomAD 0.00004 and 0.00005; 1000 Genomes Project 30x 0.00016; 1000 Genomes Project 0.00020.
gnomAD v4.1: 12 of 1,612,952 alleles (0.00074%); highest among the groups gnomAD compares: Admixed American, 0.0084%; no homozygotes.

Submissions (3):

Labcorp Genetics (formerly Invitae), Labcorp
Classification: Likely benign for Retinitis pigmentosa 71; Short-rib thoracic dysplasia 10 with or without polydactyly. Last evaluated: 2025-08-04. Review status: criteria provided, single submitter. Criteria: Invitae Variant Classification Sherloc (09022015). Collection method: clinical testing. Allele origin: germline.

Fulgent Genetics
Classification: Likely benign for Short-rib thoracic dysplasia 10 with or without polydactyly; Retinitis pigmentosa 71; Bardet-Biedl syndrome 20. Last evaluated: 2022-03-10. Review status: criteria provided, single submitter. Criteria: ACMG Guidelines, 2015. Collection method: clinical testing. Allele origin: unknown.

PreventionGenetics, part of Exact Sciences
Classification: Likely benign for IFT172-related condition. Last evaluated: 2022-03-28. Review status: no assertion criteria provided. Collection method: clinical testing. Allele origin: germline. Not counted in ClinVar's aggregate classification.
Comment: This variant is classified as likely benign based on ACMG/AMP sequence variant interpretation guidelines (Richards et al. 2015 PMID: 25741868, with internal and published modifications).